The following is an entry in ClinVar:

NM_000138.5(FBN1):c.6744_6746del (p.Glu2248del)

Gene: FBN1 (fibrillin 1; minus strand). Cytogenetic location: 15q21.1.
Variant type: Deletion.
Coding change: c.6744_6746del on transcript NM_000138.5 (MANE Select); coding-DNA positions 6744 to 6746, 3 bases deleted (GGA; older notation c.6744_6746delGGA).
Protein change: p.Glu2248del; deletes glutamic acid 2248.
Molecular consequence: inframe deletion. On other transcripts: inframe indel (1).
Genome position (GRCh38, 1-based): chr15:48,430,796-48,430,798, TCC deleted on the plus strand (GGA on the coding strand, the reverse complement: FBN1 is on the minus strand); deleting any 3 consecutive bases within chr15:48,430,796-48,430,800 gives the same sequence; the c. name uses the placement nearest the transcript's 3' end. VCF-style (leftmost placement, unchanged base first): chr15-48430795-ATCC-A. GRCh37 (hg19) VCF-style: chr15-48722992-ATCC-A.
Other names: c.6742_6744delGAG, p.Glu2248del (NM_000138.4); c.6744_6746del, p.Glu2248del (NM_001406716.1); short protein forms E2248del.
Identifiers: ClinVar variation 2498340 (VCV002498340.1), dbSNP rs1566894318, ClinGen allele CA919548474.
Genomic context (GRCh38, chr15:48,430,795, plus strand): 5'-AATGAGGTTCTTGCATTCCATTTGTTTTTCAGTACAGTCATGTTTTCCCTCTTCACACTC[ATCC>A]TCATCTGTAAAAAATGTACAATCACAAATTTGTCAAAGAAAATGCATATATCTGCCTTAA-3'

ClinVar aggregate classification (germline): Likely pathogenic (0 of 4 stars; one submission).

Conditions:
Marfan syndrome (MFS). Also called: MARFAN SYNDROME, TYPE I; FBN1-Related Marfan Syndrome; Marfan syndrome type 1; Marfan's syndrome; Marfan syndrome, classic. Identifiers: Orphanet 284963, Orphanet 558, MedGen C0024796, MONDO:0007947, OMIM 154700.

Submission:

deCODE genetics, Amgen
Classification: Likely pathogenic for Marfan syndrome. Last evaluated: 2023-04-10. Review status: no assertion criteria provided. Collection method: case-control. Allele origin: germline. Affected: yes. Observed: 2 variant alleles.
Comment: The p.(Glu2248del) variant was identified in two family members diagnosed with Marfan syndrome. It was further found to associate with thoracid aortic aneurysm (p-value 0.004; OR 95.2). Applied ACMG criteria: PS4, PM2, PP2, PP4

Literature cited by the submitters: PubMed 37684520.